The following is an entry in ClinVar:

NM_016103.4(SAR1B):c.244+9C>A

Gene: SAR1B (secretion associated Ras related GTPase 1B; minus strand). Cytogenetic location: 5q31.1.
Variant type: single nucleotide variant.
Coding change: c.244+9C>A on transcript NM_016103.4 (MANE Select); 9 bases into the intron after coding-DNA position 244, C replaced by A.
Molecular consequence: intron variant.
Genome position (GRCh38, 1-based): chr5:134,612,682, G>T on the plus strand (C>A on the coding strand, the complement: SAR1B is on the minus strand). VCF-style: chr5-134612682-G-T. GRCh37 (hg19) VCF-style: chr5-133948372-G-T.
Other names: c.244+9C>A (NM_001033503.3).
Identifiers: ClinVar variation 746566 (VCV000746566.9), dbSNP rs200681744, ClinGen allele CA562820989.

ClinVar aggregate classification (germline): Likely benign. Review status: criteria provided, multiple submitters, no conflicts (2 of 4 stars). 3 submissions from 3 submitters: Likely benign (2). 1 of the submissions does not count toward it. Last evaluated 2026-02-03.

Conditions:
SAR1B-related disorder. Also called: SAR1B-related condition.

Allele frequency attached by ClinVar (database versions not stated): TOPMed 0.00001.

Submissions (3):

Labcorp Genetics (formerly Invitae), Labcorp
Classification: Likely benign. Last evaluated: 2026-02-03. Review status: criteria provided, single submitter. Criteria: Invitae Variant Classification Sherloc (09022015). Collection method: clinical testing. Allele origin: germline.

Blueprint Genetics
Classification: Likely benign. Last evaluated: 2024-11-06. Review status: criteria provided, single submitter. Criteria: ACMG Guidelines, 2015. Collection method: clinical testing. Allele origin: germline.

PreventionGenetics, part of Exact Sciences
Classification: Likely benign for SAR1B-related condition. Last evaluated: 2021-10-08. Review status: no assertion criteria provided. Collection method: clinical testing. Allele origin: germline. Not counted in ClinVar's aggregate classification.
Comment: This variant is classified as likely benign based on ACMG/AMP sequence variant interpretation guidelines (Richards et al. 2015 PMID: 25741868, with internal and published modifications).